The following is an entry in ClinVar:

ClinVar aggregate classification (germline): Pathogenic/Likely pathogenic. Review status: criteria provided, multiple submitters, no conflicts (2 of 4 stars). 4 submissions from 4 submitters: Pathogenic (3); Likely pathogenic (1). Last evaluated 2026-06-30.

Conditions:
NF1-related disorder. Also called: NF1-related condition. Identifiers: MedGen CN379171.
Cardiovascular phenotype. Identifiers: MedGen CN230736.
Hereditary cancer-predisposing syndrome. Also called: Neoplastic Syndromes, Hereditary; Tumor predisposition; Hereditary Cancer Syndrome; Hereditary neoplastic syndrome. Identifiers: Orphanet 140162, MedGen C0027672, MeSH D009386, MONDO:0015356.
Neurofibromatosis, type 1 (NF1). Also called: NEUROFIBROMATOSIS, TYPE I, SOMATIC; Peripheral type neurofibromatosis; Neurofibromatosis, type I; VON RECKLINGHAUSEN DISEASE. Identifiers: Orphanet 636, MedGen C0027831, MONDO:0018975, OMIM 162200. Disease mechanism: loss of function.

Submissions (5):

PreventionGenetics, part of Exact Sciences
Classification: Pathogenic for NF1-related condition. Last evaluated: 2026-06-30. Review status: criteria provided, single submitter. Criteria: ACMG Guidelines, 2015. Collection method: clinical testing. Allele origin: germline.
Comment: The NF1 c.5205+5G>A variant is predicted to interfere with splicing. This variant, also known as IVS28+5G>A, was reported in individuals with clinical features consistent with neurofibromatosis 1 (Ars et al. 2003. PubMed ID: 12807981; Valero et al. 2011. PubMed ID: 21354044; Ece Solmaz et al. 2021. PubMed ID: 34418705). This variant has not been reported in a large population database (gnomAD), indicating it is rare. It is classified as pathogenic in ClinVar (Variation ID: 220498). Functional studies demonstrate that this variant disrupts RNA splicing resulting in the in-frame deletion of 18 amino acids (Ars et al. 2003. PubMed ID: 12807981; Valero et al. 2011. PubMed ID: 21354044). This variant is interpreted as pathogenic.

Ambry Genetics
Classification: Likely pathogenic for Cardiovascular phenotype; Hereditary cancer-predisposing syndrome. Last evaluated: 2026-05-08. Review status: criteria provided, single submitter. Criteria: Ambry Variant Classification Scheme 2023. Collection method: clinical testing. Allele origin: germline.
Comment: The c.5205+5G>A intronic variant results from a G to A substitution 5 nucleotides after coding exon 36 in the NF1 gene. This variant was reported in individual(s) with features consistent with autosomal dominant Neurofibromatosis type 1 (Ars E et al. J Med Genet, 2003 Jun;40:e82; Valero MC et al. J Mol Diagn, 2011 Mar;13:113-22; Ece Solmaz A et al. Clin Neurol Neurosurg, 2021 Sep;208:106884; Ambry internal data). This nucleotide position is well conserved in available vertebrate species. In silico splice site analysis predicts that this alteration will result in the creation or strengthening of a novel splice donor site. RNA studies showed weakening of the native 5' splice site, allowing the usage of a new cryptic splice site (Ars E et al. J Med Genet, 2003 Jun;40:e82; Valero MC et al. J Mol Diagn, 2011 Mar;13:113-22). This variant is considered to be rare based on population cohorts in the Genome Aggregation Database (gnomAD). Based on the majority of available evidence to date, this variant is likely to be pathogenic.

Labcorp Genetics (formerly Invitae), Labcorp
Classification: Pathogenic for Neurofibromatosis, type 1. Last evaluated: 2025-07-13. Review status: criteria provided, single submitter. Criteria: Invitae Variant Classification Sherloc (09022015). Collection method: clinical testing. Allele origin: germline.
Comment: This sequence change falls in intron 36 of the NF1 gene. It does not directly change the encoded amino acid sequence of the NF1 protein. RNA analysis indicates that this variant induces altered splicing and likely results in the loss of 18 amino acid residue(s), but is expected to preserve the integrity of the reading-frame. This variant is not present in population databases (gnomAD no frequency). This variant has been observed in individuals with neurofibromatosis type 1 (NF1) (PMID: 12807981, 16835897, 21354044, 23913538). Invitae Evidence Modeling of clinical and family history, age, sex, and reported ancestry of multiple individuals with this NF1 variant has been performed. This variant is expected to be pathogenic with a positive predictive value of at least 99%. This is a validated machine learning model that incorporates the clinical features of 1,785,918 individuals referred to our laboratory for NF1 testing. This variant is also known as IVS28+5G>A. ClinVar contains an entry for this variant (Variation ID: 220498). Variants that disrupt the consensus splice site are a relatively common cause of aberrant splicing (PMID: 17576681, 9536098). Studies have shown that this variant results in the activation of a cryptic splice site in exon 37 (PMID: 12807981, 21354044). For these reasons, this variant has been classified as Pathogenic.

Medical Genetics, University of Parma
Classification: Pathogenic for Neurofibromatosis, type 1. Last evaluated: 2022-08-17. Review status: criteria provided, single submitter. Criteria: ACMG Guidelines, 2015. Collection method: clinical testing. Allele origin: germline. Inheritance: Autosomal dominant inheritance. Affected: yes.

Dr. Peter K. Rogan Lab, Western University
No classification provided (evidence only). Condition: Pheochromocytoma/paraganglioma syndrome 1. Review status: no classification provided. Collection method: in vitro. Allele origin: not applicable. Functional consequence: retained intron. Not counted in ClinVar's aggregate classification.

Literature cited by the submitters: PubMed 12807981 (cited by Ambry Genetics and Labcorp Genetics (formerly Invitae), Labcorp); PubMed 21354044 (cited by Ambry Genetics and Labcorp Genetics (formerly Invitae), Labcorp); PubMed 34418705 (cited by Ambry Genetics); PubMed 16835897 (cited by Labcorp Genetics (formerly Invitae), Labcorp); PubMed 23913538 (cited by Labcorp Genetics (formerly Invitae), Labcorp); PubMed 17576681 (cited by Labcorp Genetics (formerly Invitae), Labcorp); PubMed 9536098 (cited by Labcorp Genetics (formerly Invitae), Labcorp).

NM_001042492.3(NF1):c.5268+5G>A

Gene: NF1 (neurofibromin 1; plus strand). Cytogenetic location: 17q11.2.
Variant type: single nucleotide variant.
Coding change: c.5268+5G>A on transcript NM_001042492.3 (MANE Select); 5 bases into the intron after coding-DNA position 5268, G replaced by A.
Molecular consequence: intron variant.
Genome position (GRCh38, 1-based): chr17:31,326,257, G>A. VCF-style: chr17-31326257-G-A. GRCh37 (hg19) VCF-style: chr17-29653275-G-A.
Other names: c.5205+5G>A (NM_000267.4).
Identifiers: ClinVar variation 220498 (VCV000220498.11), dbSNP rs864622551, ClinGen allele CA350113.
Genomic context (GRCh38, chr17:31,326,257, plus strand): 5'-AGGTATTCCACAATGCTCTCAAGCTAGCTCACAAAGACACCAAAGTTTCTATTAAAGTAA[G>A]TTCCAGTCTGTGTTTTGTAAACGATTCATTGCTTTTCTTGACTAACTAGACTATATCCTG-3'